The following is an entry in ClinVar:

ClinVar aggregate classification (germline): Benign. Review status: criteria provided, single submitter (1 of 4 stars). 2 submissions from 2 submitters: Benign (1). 1 of the submissions does not count toward it. Last evaluated 2024-06-26.

Conditions:
MCM2-related disorder. Also called: MCM2-related condition.

Allele frequency attached by ClinVar (database versions not stated): TOPMed 0.00003; ESP Exome Variant Server 0.00008; gnomAD 0.00024; gnomAD exomes 0.00032; ExAC 0.00066; 1000 Genomes Project 0.00080; 1000 Genomes Project 30x 0.00094.
gnomAD v4.1: 496 of 1,614,186 alleles (0.031%); highest among the groups gnomAD compares: South Asian, 0.49%; 4 homozygotes.

Submissions (3):

Labcorp Genetics (formerly Invitae), Labcorp
Classification: Benign. Last evaluated: 2024-06-26. Review status: criteria provided, single submitter. Criteria: Invitae Variant Classification Sherloc (09022015). Collection method: clinical testing. Allele origin: germline.

PreventionGenetics, part of Exact Sciences
Classification: Benign for MCM2-related condition. Last evaluated: 2020-07-13. Review status: no assertion criteria provided. Collection method: clinical testing. Allele origin: germline. Not counted in ClinVar's aggregate classification.
Comment: This variant is classified as benign based on ACMG/AMP sequence variant interpretation guidelines (Richards et al. 2015 PMID: 25741868, with internal and published modifications).

Dr. Peter K. Rogan Lab, Western University
No classification provided (evidence only). Condition: Uterine corpus endometrial carcinoma. Review status: no classification provided. Collection method: in vitro. Allele origin: not applicable. Functional consequence: retained intron. Not counted in ClinVar's aggregate classification.

NM_004526.4(MCM2):c.2474G>A (p.Arg825Gln)

Genes: MCM2 (minichromosome maintenance complex component 2; plus strand), LOC107986126 (uncharacterized LOC107986126; minus strand). Cytogenetic location: 3q21.3.
Variant type: single nucleotide variant.
Coding change: c.2474G>A on transcript NM_004526.4 (MANE Select); coding-DNA position 2474, G replaced by A.
Protein change: p.Arg825Gln; replaces arginine 825 with glutamine.
Molecular consequence: missense variant. On other transcripts: non-coding transcript variant (1).
Genome position (GRCh38, 1-based): chr3:127,621,098, G>A. VCF-style: chr3-127621098-G-A. GRCh37 (hg19) VCF-style: chr3-127339941-G-A.
Other names: c.2474G>A (NM_004526.3); short protein forms R825Q.
Identifiers: ClinVar variation 2886510 (VCV002886510.6), dbSNP rs374590880, ClinGen allele CA2596264.